The following is an entry in ClinVar:

ClinVar aggregate classification (germline): Uncertain significance (1 of 4 stars; one submission).

Conditions:
Episodic ataxia type 2 (EA2). Also called: ACETAZOLAMIDE-RESPONSIVE HEREDITARY PAROXYSMAL CEREBELLAR ATAXIA; ATAXIA, EPISODIC, WITH NYSTAGMUS; ATAXIA, FAMILIAL PAROXYSMAL; CEREBELLAR ATAXIA, PAROXYSMAL, ACETAZOLAMIDE-RESPONSIVE; CEREBELLOPATHY, HEREDITARY PAROXYSMAL; EPISODIC ATAXIA, NYSTAGMUS-ASSOCIATED. Identifiers: Orphanet 97, MedGen C1720416, MONDO:0007163, OMIM 108500.
Developmental and epileptic encephalopathy, 42 (DEE42A). Also called: Epileptic encephalopathy, early infantile, 42; DEVELOPMENTAL AND EPILEPTIC ENCEPHALOPATHY 42A; EPILEPTIC ENCEPHALOPATHY, EARLY INFANTILE, 42A. Identifiers: MedGen C4310716, MONDO:0014917, OMIM 617106.

Submission:

Labcorp Genetics (formerly Invitae), Labcorp
Classification: Uncertain significance for Developmental and epileptic encephalopathy, 42; Episodic ataxia type 2. Last evaluated: 2025-07-02. Review status: criteria provided, single submitter. Criteria: Invitae Variant Classification Sherloc (09022015). Collection method: clinical testing. Allele origin: germline.
Comment: This sequence change replaces serine, which is neutral and polar, with tyrosine, which is neutral and polar, at codon 947 of the CACNA1A protein (p.Ser947Tyr). This variant is not present in population databases (gnomAD no frequency). This variant has not been reported in the literature in individuals affected with CACNA1A-related conditions. Invitae Evidence Modeling of protein sequence and biophysical properties (such as structural, functional, and spatial information, amino acid conservation, physicochemical variation, residue mobility, and thermodynamic stability) indicates that this missense variant is not expected to disrupt CACNA1A protein function with a negative predictive value of 95%. In summary, the available evidence is currently insufficient to determine the role of this variant in disease. Therefore, it has been classified as a Variant of Uncertain Significance.

NM_001127222.2(CACNA1A):c.2837C>A (p.Ser946Tyr)

Gene: CACNA1A (calcium voltage-gated channel subunit alpha1 A; minus strand). Cytogenetic location: 19p13.13.
Variant type: single nucleotide variant.
Coding change: c.2837C>A on transcript NM_001127222.2 (MANE Select); coding-DNA position 2837, C replaced by A.
Protein change: p.Ser946Tyr; replaces serine 946 with tyrosine.
Molecular consequence: missense variant.
Genome position (GRCh38, 1-based): chr19:13,298,796, G>T on the plus strand (C>A on the coding strand, the complement: CACNA1A is on the minus strand). VCF-style: chr19-13298796-G-T. GRCh37 (hg19) VCF-style: chr19-13409610-G-T.
Other names: c.2849C>A, p.Ser950Tyr (NM_000068.4, NM_023035.3); c.2840C>A, p.Ser947Tyr (NM_001127221.2, NM_001174080.2); short protein forms S947Y, S946Y, S950Y.
Identifiers: ClinVar variation 4791892 (VCV004791892.1).